The following is an entry in ClinVar:

ClinVar aggregate classification (germline): Pathogenic/Likely pathogenic. Review status: criteria provided, multiple submitters, no conflicts (2 of 4 stars). 2 submissions from 2 submitters: Pathogenic (1); Likely pathogenic (1). Last evaluated 2026-04-14.

Conditions:
Progressive familial intrahepatic cholestasis type 2. Identifiers: Orphanet 79304, MedGen C3489789, MONDO:0011156, OMIM 601847.
Benign recurrent intrahepatic cholestasis type 2 (BRIC2). Also called: Recurrent familial intrahepatic cholestasis 2. Identifiers: Orphanet 65682, Orphanet 99961, MedGen C2608083, MONDO:0011559, OMIM 605479.
Familial intrahepatic cholestasis. Identifiers: Orphanet 284385, MedGen CN296401, MONDO:0017290.

Submissions (2):

Genomenon, Inc
Classification: Pathogenic for Familial intrahepatic cholestasis. Last evaluated: 2026-04-14. Review status: criteria provided, single submitter. Criteria: Genomenon Sequence Variant Interpretation Standards - Updated. Collection method: curation. Allele origin: germline. Affected: yes.
Comment: ABCB11 p.Ser457ValfsTer23 (c.1368del) is a frameshift variant that results in the production of a truncated protein which is predicted to undergo nonsense-mediated mRNA decay. This variant has been observed in at least one proband with an ABCB11-related disorder (PMID:39143102;28733223). It is absent or not present at a significant frequency in gnomAD. In conclusion, we classify ABCB11 p.Ser457ValfsTer23 (c.1368del) as a pathogenic variant.

First Genomix Gene Laboratory, Genetic Diagnostics Department
Classification: Likely pathogenic for Benign recurrent intrahepatic cholestasis type 2; Progressive familial intrahepatic cholestasis type 2. Last evaluated: 2025-06-25. Review status: criteria provided, single submitter. Criteria: ACMG Guidelines, 2015. Collection method: clinical testing. Allele origin: germline. Inheritance: Autosomal recessive inheritance. Affected: no. Observed: 1 variant allele.

Literature cited by the submitters: PubMed 39143102 (cited by Genomenon, Inc); PubMed 28733223 (cited by Genomenon, Inc).

NM_003742.4(ABCB11):c.1368del (p.Ser457fs)

Gene: ABCB11 (ATP binding cassette subfamily B member 11; minus strand). Cytogenetic location: 2q31.1.
Variant type: Deletion.
Coding change: c.1368del on transcript NM_003742.4 (MANE Select); coding-DNA position 1368, one base deleted (C; older notation c.1368delC).
Protein change: p.Ser457fs; shifts the reading frame from serine 457.
Molecular consequence: frameshift variant.
Genome position (GRCh38, 1-based): chr2:168,973,781, G deleted on the plus strand (C on the coding strand, the reverse complement: ABCB11 is on the minus strand); the first of 3 consecutive G bases (chr2:168,973,781-168,973,783); deleting any one gives the same sequence. VCF-style (leftmost placement, unchanged base first): chr2-168973780-TG-T. GRCh37 (hg19) VCF-style: chr2-169830290-TG-T.
Other names: c.1368delC (NM_003742.4); short protein forms S457fs.
Identifiers: ClinVar variation 4846175 (VCV004846175.1).